The following is an entry in ClinVar:

NM_001379500.1(COL18A1):c.3367G>A (p.Ala1123Thr)

Genes: COL18A1 (collagen type XVIII alpha 1 chain; plus strand), SLC19A1 (solute carrier family 19 member 1; minus strand). Cytogenetic location: 21q22.3.
Variant type: single nucleotide variant.
Coding change: c.3367G>A on transcript NM_001379500.1 (MANE Select); coding-DNA position 3367, G replaced by A.
Protein change: p.Ala1123Thr; replaces alanine 1123 with threonine.
Molecular consequence: missense variant.
Genome position (GRCh38, 1-based): chr21:45,509,473, G>A. VCF-style: chr21-45509473-G-A. GRCh37 (hg19) VCF-style: chr21-46929387-G-A.
Other names: c.3898G>A, p.Ala1300Thr (NM_030582.4); c.4603G>A, p.Ala1535Thr (NM_130444.3); short protein forms A1300T, A1535T, A1123T.
Identifiers: ClinVar variation 340265 (VCV000340265.10), dbSNP rs886057131, ClinGen allele CA10653051.
Genomic context (GRCh38, chr21:45,509,473, plus strand): 5'-TACCCGCGGCGGGAGCACCCCCACCCCACCGCGCGGCCCTGGCGGGCAGATGACATCCTG[G>A]CCAGCCCCCCTCGCCTGCCCGAGCCCCAGCCCTACCCCGGAGCCCCGCACCACAGCTCCT-3'
Protein context (NP_001366429.1, residues 1113-1133): ARPWRADDIL[Ala1123Thr]SPPRLPEPQP

ClinVar aggregate classification (germline): Uncertain significance. Review status: criteria provided, multiple submitters, no conflicts (2 of 4 stars). 2 submissions from 2 submitters: Uncertain significance (2). Last evaluated 2024-01-02.

Conditions:
Inborn genetic diseases. Identifiers: MedGen C0950123, MeSH D030342.

Submissions (2):

Labcorp Genetics (formerly Invitae), Labcorp
Classification: Uncertain significance. Last evaluated: 2024-01-02. Review status: criteria provided, single submitter. Criteria: Invitae Variant Classification Sherloc (09022015). Collection method: clinical testing. Allele origin: germline.
Comment: This sequence change replaces alanine, which is neutral and non-polar, with threonine, which is neutral and polar, at codon 1120 of the COL18A1 protein (p.Ala1120Thr). This variant is not present in population databases (gnomAD no frequency). This variant has not been reported in the literature in individuals affected with COL18A1-related conditions. ClinVar contains an entry for this variant (Variation ID: 340265). Experimental studies and prediction algorithms are not available or were not evaluated, and the functional significance of this variant is currently unknown. In summary, the available evidence is currently insufficient to determine the role of this variant in disease. Therefore, it has been classified as a Variant of Uncertain Significance.

Ambry Genetics
Classification: Uncertain significance for Inborn genetic diseases. Last evaluated: 2023-05-22. Review status: criteria provided, single submitter. Criteria: Ambry Variant Classification Scheme 2023. Collection method: clinical testing. Allele origin: germline.